The following is an entry in ClinVar:

ClinVar aggregate classification (germline): Conflicting classifications of pathogenicity. Review status: criteria provided, conflicting classifications (1 of 4 stars). 2 submissions from 2 submitters: Uncertain significance (1); Likely benign (1). Last evaluated 2018-08-10.

Conditions:
Hereditary cancer-predisposing syndrome. Also called: Hereditary Cancer Syndrome; Tumor predisposition; Neoplastic Syndromes, Hereditary; Hereditary neoplastic syndrome. Identifiers: Orphanet 140162, MedGen C0027672, MeSH D009386, MONDO:0015356.
Ataxia-telangiectasia-like disorder 1 (ATLD1). Identifiers: Orphanet 251347, MedGen C4012790, MONDO:0024557, OMIM 604391.

Submissions (2):

Ambry Genetics
Classification: Uncertain significance for Hereditary cancer-predisposing syndrome. Last evaluated: 2018-08-10. Review status: criteria provided, single submitter. Criteria: Ambry Variant Classification Scheme 2023. Collection method: clinical testing. Allele origin: germline.
Comment: The p.V680L variant (also known as c.2038G>T), located in coding exon 18 of the MRE11A gene, results from a G to T substitution at nucleotide position 2038. The valine at codon 680 is replaced by leucine, an amino acid with highly similar properties. This amino acid position is poorly conserved in available vertebrate species. In addition, this alteration is predicted to be tolerated by in silico analysis. Since supporting evidence is limited at this time, the clinical significance of this alteration remains unclear.

Juno Genomics, Hangzhou Juno Genomics, Inc
Classification: Likely benign for Ataxia-telangiectasia-like disorder 1. Review status: criteria provided, single submitter. Criteria: ACMG Guidelines, 2015. Collection method: clinical testing. Allele origin: germline.
Comment: Absent from controls (or at extremely low frequency if recessive) in Genome Aggregation Database.;Multiple lines of computational evidence suggest no impact on gene or gene product.

NM_005591.4(MRE11):c.2038G>T (p.Val680Leu)

Gene: MRE11 (MRE11 double strand break repair nuclease; minus strand). Cytogenetic location: 11q21.
Variant type: single nucleotide variant.
Coding change: c.2038G>T on transcript NM_005591.4 (MANE Select); coding-DNA position 2038, G replaced by T.
Protein change: p.Val680Leu; replaces valine 680 with leucine.
Molecular consequence: missense variant.
Genome position (GRCh38, 1-based): chr11:94,429,943, C>A on the plus strand (G>T on the coding strand, the complement: MRE11 is on the minus strand). VCF-style: chr11-94429943-C-A. GRCh37 (hg19) VCF-style: chr11-94163109-C-A.
Other names: c.2035G>T, p.Val679Leu (NM_001330347.2); c.1954G>T, p.Val652Leu (NM_005590.4); short protein forms V680L, V652L, V679L.
Identifiers: ClinVar variation 820570 (VCV000820570.6), dbSNP rs1591633905, ClinGen allele CA382373492.